The following is an entry in ClinVar:

NM_017866.6(TMEM70):c.500del (p.Val167fs)

Gene: TMEM70 (transmembrane protein 70; plus strand). Cytogenetic location: 8q21.11.
Variant type: Deletion.
Coding change: c.500del on transcript NM_017866.6 (MANE Select); coding-DNA position 500, one base deleted (T; older notation c.500delT).
Protein change: p.Val167fs; shifts the reading frame from valine 167.
Molecular consequence: frameshift variant. On other transcripts: 3 prime UTR variant (1), non-coding transcript variant (1).
Genome position (GRCh38, 1-based): chr8:73,981,338, T deleted. VCF-style (leftmost placement, unchanged base first): chr8-73981337-GT-G. GRCh37 (hg19) VCF-style: chr8-74893572-GT-G.
Other names: c.*190del (NM_001040613.3); short protein forms V167fs.
Identifiers: ClinVar variation 817459 (VCV000817459.4), dbSNP rs1426201422, ClinGen allele CA582881467.

ClinVar aggregate classification (germline): Pathogenic/Likely pathogenic. Review status: criteria provided, multiple submitters, no conflicts (2 of 4 stars). 2 submissions from 2 submitters: Pathogenic (1); Likely pathogenic (1). Last evaluated 2023-07-28.

Conditions:
Mitochondrial complex V (ATP synthase) deficiency, nuclear type 2. Also called: Nuclear-Encoded ATPase Deficiency, TMEM70-Related; MITOCHONDRIAL COMPLEX V (ATP SYNTHASE) DEFICIENCY, TMEM70 TYPE; ENCEPHALOCARDIOMYOPATHY, MITOCHONDRIAL, NEONATAL, DUE TO ATP SYNTHASE DEFICIENCY. Identifiers: Orphanet 1194, MedGen C3279699, MONDO:0013546, OMIM 614052.

Allele frequency attached by ClinVar (database versions not stated): gnomAD exomes below 0.00001; TOPMed 0.00001.

Submissions (2):

Labcorp Genetics (formerly Invitae), Labcorp
Classification: Pathogenic for Mitochondrial complex V (ATP synthase) deficiency, nuclear type 2. Last evaluated: 2023-07-28. Review status: criteria provided, single submitter. Criteria: Invitae Variant Classification Sherloc (09022015). Collection method: clinical testing. Allele origin: germline.
Comment: This variant is present in population databases (no rsID available, gnomAD 0.003%). This sequence change creates a premature translational stop signal (p.Val167Alafs*34) in the TMEM70 gene. While this is not anticipated to result in nonsense mediated decay, it is expected to disrupt the last 94 amino acid(s) of the TMEM70 protein. This variant has not been reported in the literature in individuals affected with TMEM70-related conditions. For these reasons, this variant has been classified as Pathogenic. This variant disrupts a region of the TMEM70 protein in which other variant(s) (p.Thr193Serfs*6) have been determined to be pathogenic (PMID: 21147908). This suggests that this is a clinically significant region of the protein, and that variants that disrupt it are likely to be disease-causing. ClinVar contains an entry for this variant (Variation ID: 817459).

GeneDx
Classification: Likely pathogenic. Last evaluated: 2019-02-13. Review status: criteria provided, single submitter. Criteria: GeneDx Variant Classification (06012015). Collection method: clinical testing. Allele origin: germline. Affected: yes.
Comment: The c.500delT variant in the TMEM70 gene has not been reported previously as a pathogenic variant nor as a benign variant, to our knowledge. The c.500delT variant causes a frameshift starting with codon Valine 167, changes this amino acid to an Alanine residue, and creates a premature Stop codon at position 34 of the new reading frame, denoted p.Val167AlafsX34. This variant is predicted to cause loss of normal protein function through protein truncation, as the last 94 amino acids are replaced by 33 incorrect amino acids. The c.500delT variant is not observed at a significant frequency in large population cohorts (Lek et al., 2016). We interpret c.500delT as a likely pathogenic variant.

Literature cited by the submitters: PubMed 21147908 (cited by Labcorp Genetics (formerly Invitae), Labcorp).